The following is an entry in ClinVar:

ClinVar aggregate classification (germline): Conflicting classifications of pathogenicity. Review status: criteria provided, conflicting classifications (1 of 4 stars). 3 submissions from 3 submitters: Uncertain significance (2); Likely benign (1). Last evaluated 2025-07-16.

Allele frequency attached by ClinVar (database versions not stated): gnomAD 0.00001; TOPMed 0.00002.
gnomAD v4.1: 30 of 1,591,112 alleles (0.0019%); highest among the groups gnomAD compares: East Asian, 0.057%; no homozygotes.

Submissions (3):

GeneDx
Classification: Uncertain significance. Last evaluated: 2025-07-16. Review status: criteria provided, single submitter. Criteria: GeneDx Variant Classification Process June 2021. Collection method: clinical testing. Allele origin: germline.
Comment: In silico analysis supports a deleterious effect on splicing; In silico analysis suggests that this missense variant does not alter protein structure/function; Has not been previously published as pathogenic or benign to our knowledge

Labcorp Genetics (formerly Invitae), Labcorp
Classification: Likely benign. Last evaluated: 2024-12-21. Review status: criteria provided, single submitter. Criteria: Invitae Variant Classification Sherloc (09022015). Collection method: clinical testing. Allele origin: germline.

Blueprint Genetics
Classification: Uncertain significance. Last evaluated: 2023-05-15. Review status: criteria provided, single submitter. Criteria: ACMG Guidelines, 2015. Collection method: clinical testing. Allele origin: germline.

NM_022124.6(CDH23):c.8704G>A (p.Gly2902Ser)

Gene: CDH23 (cadherin related 23; plus strand). Cytogenetic location: 10q22.1.
Variant type: single nucleotide variant.
Coding change: c.8704G>A on transcript NM_022124.6 (MANE Select); coding-DNA position 8704, G replaced by A.
Protein change: p.Gly2902Ser; replaces glycine 2902 with serine.
Molecular consequence: missense variant.
Genome position (GRCh38, 1-based): chr10:71,807,989, G>A. VCF-style: chr10-71807989-G-A. GRCh37 (hg19) VCF-style: chr10-73567746-G-A.
Other names: c.1984G>A, p.Gly662Ser (NM_001171933.1, NM_001171934.1); c.8704G>A (NM_022124.5); short protein forms G2902S, G662S.
Identifiers: ClinVar variation 2144404 (VCV002144404.7), dbSNP rs1220739673, ClinGen allele CA377132725.